The following is an entry in ClinVar:

NM_000222.3(KIT):c.1192G>T (p.Asp398Tyr)

Gene: KIT (KIT proto-oncogene, receptor tyrosine kinase; plus strand). Cytogenetic location: 4q12.
Variant type: single nucleotide variant.
Coding change: c.1192G>T on transcript NM_000222.3 (MANE Select); coding-DNA position 1192, G replaced by T.
Protein change: p.Asp398Tyr; replaces aspartic acid 398 with tyrosine.
Molecular consequence: missense variant.
Genome position (GRCh38, 1-based): chr4:54,709,500, G>T. VCF-style: chr4-54709500-G-T. GRCh37 (hg19) VCF-style: chr4-55575666-G-T.
Other names: c.1192G>T, p.Asp398Tyr (NM_001093772.2, NM_001385285.1, NM_001385286.1); c.1195G>T, p.Asp399Tyr (NM_001385284.1, NM_001385288.1, NM_001385290.1 and 1 more transcripts); short protein forms D399Y, D398Y.
Identifiers: ClinVar variation 1745355 (VCV001745355.2), dbSNP rs2109714299, ClinGen allele CA356902484.

ClinVar aggregate classification (germline): Uncertain significance (1 of 4 stars; one submission).

Conditions:
Hereditary cancer-predisposing syndrome. Also called: Hereditary Cancer Syndrome; Neoplastic Syndromes, Hereditary; Tumor predisposition; Hereditary neoplastic syndrome. Identifiers: Orphanet 140162, MedGen C0027672, MeSH D009386, MONDO:0015356.

gnomAD v4.1: 1 of 1,612,960 alleles (0.000062%); highest among the groups gnomAD compares: Non-Finnish European, 0.000085%; no homozygotes.

Submission:

Ambry Genetics
Classification: Uncertain significance for Hereditary cancer-predisposing syndrome. Last evaluated: 2021-08-24. Review status: criteria provided, single submitter. Criteria: Ambry Variant Classification Scheme 2023. Collection method: clinical testing. Allele origin: germline.
Comment: The p.D398Y variant (also known as c.1192G>T), located in coding exon 7 of the KIT gene, results from a G to T substitution at nucleotide position 1192. The aspartic acid at codon 398 is replaced by tyrosine, an amino acid with highly dissimilar properties. This amino acid position is conserved. In addition, the in silico prediction for this alteration is inconclusive. Since supporting evidence is limited at this time, the clinical significance of this alteration remains unclear.